The following is an entry in ClinVar:

ClinVar aggregate classification (germline): Pathogenic (1 of 4 stars; one submission).

Submission:

Labcorp Genetics (formerly Invitae), Labcorp
Classification: Pathogenic. Last evaluated: 2022-08-15. Review status: criteria provided, single submitter. Criteria: Invitae Variant Classification Sherloc (09022015). Collection method: clinical testing. Allele origin: germline.
Comment: For these reasons, this variant has been classified as Pathogenic. This variant has not been reported in the literature in individuals affected with SZT2-related conditions. This sequence change creates a premature translational stop signal (p.Gly717Alafs*50) in the SZT2 gene. It is expected to result in an absent or disrupted protein product. Loss-of-function variants in SZT2 are known to be pathogenic (PMID: 23932106, 27248490, 28556953). This variant is not present in population databases (gnomAD no frequency).

Literature cited by the submitters: PubMed 23932106; PubMed 27248490; PubMed 28556953.

NM_001365999.1(SZT2):c.2150del (p.Gly717fs)

Gene: SZT2 (SZT2 subunit of KICSTOR complex; plus strand). Cytogenetic location: 1p34.2.
Variant type: Deletion.
Coding change: c.2150del on transcript NM_001365999.1 (MANE Select); coding-DNA position 2150, one base deleted (G; older notation c.2150delG).
Protein change: p.Gly717fs; shifts the reading frame from glycine 717.
Molecular consequence: frameshift variant.
Genome position (GRCh38, 1-based): chr1:43,423,211, G deleted; the last of 5 consecutive G bases (chr1:43,423,207-43,423,211); deleting any one gives the same sequence. VCF-style (leftmost placement, unchanged base first): chr1-43423206-TG-T. GRCh37 (hg19) VCF-style: chr1-43888877-TG-T.
Other names: c.2150del, p.Gly717fs (NM_015284.4); short protein forms G717fs.
Identifiers: ClinVar variation 2037119 (VCV002037119.4), dbSNP rs2545809134, ClinGen allele CA2580062827.